The following is an entry in ClinVar:

ClinVar aggregate classification (germline): Uncertain significance (1 of 4 stars; one submission).

Submission:

GeneDx
Classification: Uncertain significance. Last evaluated: 2023-12-18. Review status: criteria provided, single submitter. Criteria: GeneDx Variant Classification Process June 2021. Collection method: clinical testing. Allele origin: germline. Affected: yes.
Comment: Not observed at significant frequency in large population cohorts (gnomAD); In silico analysis supports that this missense variant does not alter protein structure/function; Has not been previously published as pathogenic or benign to our knowledge

NM_012199.5(AGO1):c.2085C>A (p.Asp695Glu)

Gene: AGO1 (argonaute RISC component 1; plus strand). Cytogenetic location: 1p34.3.
Variant type: single nucleotide variant.
Coding change: c.2085C>A on transcript NM_012199.5 (MANE Select); coding-DNA position 2085, C replaced by A.
Protein change: p.Asp695Glu; replaces aspartic acid 695 with glutamic acid.
Molecular consequence: missense variant.
Genome position (GRCh38, 1-based): chr1:35,917,649, C>A. VCF-style: chr1-35917649-C-A. GRCh37 (hg19) VCF-style: chr1-36383250-C-A.
Other names: c.2085C>A, p.Asp695Glu (NM_001317122.2); c.1860C>A, p.Asp620Glu (NM_001317123.2); short protein forms D620E, D695E.
Identifiers: ClinVar variation 3365773 (VCV003365773.1).